The following is an entry in ClinVar:

ClinVar aggregate classification (germline): Uncertain significance (1 of 4 stars; one submission).

Submission:

Greenwood Genetic Center Diagnostic Laboratories, Greenwood Genetic Center
Classification: Uncertain significance. Last evaluated: 2023-10-24. Review status: criteria provided, single submitter. Criteria: ACMG Guidelines, 2015. Collection method: clinical testing. Allele origin: germline. Affected: yes.
Comment: PM2

NM_014727.3(KMT2B):c.6640C>A (p.Pro2214Thr)

Gene: KMT2B (lysine methyltransferase 2B; plus strand). Cytogenetic location: 19q13.12.
Variant type: single nucleotide variant.
Coding change: c.6640C>A on transcript NM_014727.3 (MANE Select); coding-DNA position 6640, C replaced by A.
Protein change: p.Pro2214Thr; replaces proline 2214 with threonine.
Molecular consequence: missense variant.
Genome position (GRCh38, 1-based): chr19:35,733,189, C>A. VCF-style: chr19-35733189-C-A. GRCh37 (hg19) VCF-style: chr19-36224090-C-A.
Other names: short protein forms P2214T.
Identifiers: ClinVar variation 2692561 (VCV002692561.1), dbSNP rs760149111, ClinGen allele CA405429653.